The following is an entry in ClinVar:

NM_005159.5(ACTC1):c.622C>T (p.Arg208Cys)

Genes: ACTC1 (actin alpha cardiac muscle 1; minus strand), GJD2-DT (GJD2 divergent transcript; plus strand). Cytogenetic location: 15q14.
Variant type: single nucleotide variant.
Coding change: c.622C>T on transcript NM_005159.5 (MANE Select); coding-DNA position 622, C replaced by T.
Protein change: p.Arg208Cys; replaces arginine 208 with cysteine.
Molecular consequence: missense variant.
Genome position (GRCh38, 1-based): chr15:34,792,276, G>A on the plus strand (C>T on the coding strand, the complement: ACTC1 is on the minus strand). VCF-style: chr15-34792276-G-A. GRCh37 (hg19) VCF-style: chr15-35084477-G-A.
Other names: short protein forms R208C.
Identifiers: ClinVar variation 179863 (VCV000179863.23), dbSNP rs727505179, ClinGen allele CA019860.

ClinVar aggregate classification (germline): Uncertain significance. Review status: criteria provided, multiple submitters, no conflicts (2 of 4 stars). 7 submissions from 7 submitters: Uncertain significance (5). 2 of the submissions do not count toward it. Last evaluated 2026-02-05.

Conditions:
Atrial septal defect 5 (ASD5). Identifiers: Orphanet 1478, MedGen C2748552, MONDO:0013011, OMIM 612794.
Distal arthrogryposis. Identifiers: Orphanet 97120, MedGen C0265213, MONDO:0019942, HP:0005684.
Dilated cardiomyopathy 1R (CMD1R). Identifiers: Orphanet 154, Orphanet 54260, MedGen C3150681, MONDO:0013261, OMIM 613424.
Left ventricular noncompaction 1 (LVNC1). Also called: LEFT VENTRICULAR NONCOMPACTION 1 WITH OR WITHOUT CONGENITAL HEART DEFECTS. Identifiers: Orphanet 54260, MedGen C1858725, MONDO:0011403, OMIM 604169.
Hypertrophic cardiomyopathy 11. Also called: ACTC1-Related Familial Hypertrophic Cardiomyopathy. Identifiers: MedGen C2677506, MONDO:0012799, OMIM 612098.
Cardiovascular phenotype. Identifiers: MedGen CN230736.

Allele frequency attached by ClinVar (database versions not stated): gnomAD exomes below 0.00001; gnomAD 0.00001.
gnomAD v4.1: 7 of 1,614,054 alleles (0.00043%); highest among the groups gnomAD compares: East Asian, 0.0045%; no homozygotes.

Submissions (7):

GeneDx
Classification: Uncertain significance. Last evaluated: 2026-02-05. Review status: criteria provided, single submitter. Criteria: GeneDx Variant Classification Process June 2021. Collection method: clinical testing. Allele origin: germline.
Comment: Reported in a patient with LVNC in published literature (PMID: 33500567); Not observed at significant frequency in large population cohorts (gnomAD); In silico analysis supports that this missense variant has a deleterious effect on protein structure/function; This variant is associated with the following publications: (PMID: 37937776, 33500567)

Labcorp Genetics (formerly Invitae), Labcorp
Classification: Uncertain significance for Dilated cardiomyopathy 1R; Hypertrophic cardiomyopathy 11; Atrial septal defect 5. Last evaluated: 2025-12-14. Review status: criteria provided, single submitter. Criteria: Invitae Variant Classification Sherloc (09022015). Collection method: clinical testing. Allele origin: germline.
Comment: This sequence change replaces arginine, which is basic and polar, with cysteine, which is neutral and slightly polar, at codon 208 of the ACTC1 protein (p.Arg208Cys). This variant is present in population databases (rs727505179, gnomAD 0.06%). This missense change has been observed in individual(s) with clinical features of ACTC1-related conditions (PMID: 33500567, 37937776). ClinVar contains an entry for this variant (Variation ID: 179863). Invitae Evidence Modeling of protein sequence and biophysical properties (such as structural, functional, and spatial information, amino acid conservation, physicochemical variation, residue mobility, and thermodynamic stability) indicates that this missense variant is expected to disrupt ACTC1 protein function with a positive predictive value of 80%. In summary, the available evidence is currently insufficient to determine the role of this variant in disease. Therefore, it has been classified as a Variant of Uncertain Significance.

Ambry Genetics
Classification: Uncertain significance for Cardiovascular phenotype. Last evaluated: 2023-01-18. Review status: criteria provided, single submitter. Criteria: Ambry Variant Classification Scheme 2023. Collection method: clinical testing. Allele origin: germline.
Comment: The p.R208C variant (also known as c.622C>T), located in coding exon 4 of the ACTC1 gene, results from a C to T substitution at nucleotide position 622. The arginine at codon 208 is replaced by cysteine, an amino acid with highly dissimilar properties. This alteration has been reported in a left ventricular non-compaction (LVNC) cohort; however, clinical details were limited (Mazzarotto F et al. Genet Med, 2021 May;23:856-864). This amino acid position is highly conserved in available vertebrate species. In addition, this alteration is predicted to be deleterious by in silico analysis. Since supporting evidence is limited at this time, the clinical significance of this alteration remains unclear.

Blueprint Genetics
Classification: Uncertain significance. Last evaluated: 2017-07-31. Review status: criteria provided, single submitter. Criteria: ACMG Guidelines, 2015. Collection method: clinical testing. Allele origin: germline.

Laboratory for Molecular Medicine, Mass General Brigham Personalized Medicine
Classification: Uncertain significance. Last evaluated: 2014-08-11. Review status: criteria provided, single submitter. Criteria: LMM Criteria. Collection method: clinical testing. Allele origin: germline. Observed: 2 variant alleles.
Comment: The p.Arg208Cys variant in ACTC1 has not been previously reported in individuals with cardiomyopathy or in large population studies. Computational prediction to ols and conservation analysis suggest that the variant may impact the protein, t hough this information is not predictive enough to determine pathogenicity. In s ummary, the clinical significance of the p.Arg208Cys variant is uncertain.

Diagnostic Laboratory, Department of Genetics, University Medical Center Groningen
Classification: Uncertain significance. Review status: no assertion criteria provided. Collection method: clinical testing. Allele origin: germline. Affected: yes. Study: VKGL Data-share Consensus. Not counted in ClinVar's aggregate classification.

Genome Diagnostics Laboratory, University Medical Center Utrecht
Classification: Uncertain significance. Review status: no assertion criteria provided. Collection method: clinical testing. Allele origin: germline. Affected: yes. Study: VKGL Data-share Consensus. Not counted in ClinVar's aggregate classification.

Literature cited by the submitters: PubMed 33500567 (cited by Labcorp Genetics (formerly Invitae), Labcorp and Ambry Genetics); PubMed 37937776 (cited by Labcorp Genetics (formerly Invitae), Labcorp).